The following is an entry in ClinVar:

NM_001940.4(ATN1):c.2822A>T (p.Asp941Val)

Gene: ATN1 (atrophin 1; plus strand). Cytogenetic location: 12p13.31.
Variant type: single nucleotide variant.
Coding change: c.2822A>T on transcript NM_001940.4 (MANE Select); coding-DNA position 2822, A replaced by T.
Protein change: p.Asp941Val; replaces aspartic acid 941 with valine.
Molecular consequence: missense variant.
Genome position (GRCh38, 1-based): chr12:6,938,785, A>T. VCF-style: chr12-6938785-A-T. GRCh37 (hg19) VCF-style: chr12-7047948-A-T.
Other names: c.2822A>T, p.Asp941Val (NM_001007026.2, NM_001424176.1, NM_001424177.1 and 1 more transcripts); c.2819A>T, p.Asp940Val (NM_001424179.1, NM_001424180.1); short protein forms D940V, D941V.
Identifiers: ClinVar variation 4798737 (VCV004798737.1).
Genomic context (GRCh38, chr12:6,938,785, plus strand): 5'-CGGCCCTGTACAGCAGTGATCCAGCTGCCCGGGAGAGGGAACGGGAAGCCCGTGAACGAG[A>T]CCTCCGTGACCGCCTCAAGCCTGGCTTTGAGGTGAAGCCTAGTGAGCTGGAACCCCTACA-3'
Protein context (NP_001931.2, residues 931-951): REREREARER[Asp941Val]LRDRLKPGFE

ClinVar aggregate classification (germline): Uncertain significance (1 of 4 stars; one submission).

Submission:

Labcorp Genetics (formerly Invitae), Labcorp
Classification: Uncertain significance. Last evaluated: 2025-03-31. Review status: criteria provided, single submitter. Criteria: Invitae Variant Classification Sherloc (09022015). Collection method: clinical testing. Allele origin: germline.
Comment: This sequence change replaces aspartic acid, which is acidic and polar, with valine, which is neutral and non-polar, at codon 941 of the ATN1 protein (p.Asp941Val). This variant is not present in population databases (gnomAD no frequency). This variant has not been reported in the literature in individuals affected with ATN1-related conditions. An algorithm developed to predict the effect of missense changes on protein structure and function (PolyPhen-2) suggests that this variant is likely to be disruptive. In summary, the available evidence is currently insufficient to determine the role of this variant in disease. Therefore, it has been classified as a Variant of Uncertain Significance.